The following is an entry in ClinVar:

ClinVar aggregate classification (germline): Uncertain significance (1 of 4 stars; one submission).

Submission:

Ambry Genetics
Classification: Uncertain significance. Last evaluated: 2025-08-15. Review status: criteria provided, single submitter. Criteria: Ambry Variant Classification Scheme 2023. Collection method: clinical testing. Allele origin: germline.
Comment: The p.N1118K variant (also known as c.3354T>A), located in coding exon 1 of the TET2 gene, results from a T to A substitution at nucleotide position 3354. The asparagine at codon 1118 is replaced by lysine, an amino acid with similar properties. This amino acid position is conserved. In addition, this alteration is predicted to be tolerated by in silico analysis. Based on the available evidence, the clinical significance of this variant remains unclear.

NM_001127208.3(TET2):c.3354T>A (p.Asn1118Lys)

Genes: TET2 (tet methylcytosine dioxygenase 2; plus strand), TET2-AS1 (TET2 antisense RNA 1; minus strand). Cytogenetic location: 4q24.
Variant type: single nucleotide variant.
Coding change: c.3354T>A on transcript NM_001127208.3 (MANE Select); coding-DNA position 3354, T replaced by A.
Protein change: p.Asn1118Lys; replaces asparagine 1118 with lysine.
Molecular consequence: missense variant.
Genome position (GRCh38, 1-based): chr4:105,237,296, T>A. VCF-style: chr4-105237296-T-A. GRCh37 (hg19) VCF-style: chr4-106158453-T-A.
Other names: c.3354T>A, p.Asn1118Lys (NM_017628.4); short protein forms N1118K.
Identifiers: ClinVar variation 4183020 (VCV004183020.1).